The following is an entry in ClinVar:

ClinVar aggregate classification (germline): Pathogenic. Review status: criteria provided, multiple submitters, no conflicts (2 of 4 stars). 2 submissions from 2 submitters: Pathogenic (2). Last evaluated 2023-10-28.

Conditions:
Hereditary cancer-predisposing syndrome. Also called: Hereditary neoplastic syndrome; Tumor predisposition; Neoplastic Syndromes, Hereditary; Hereditary Cancer Syndrome. Identifiers: Orphanet 140162, MedGen C0027672, MeSH D009386, MONDO:0015356.
Microcephaly, normal intelligence and immunodeficiency (NBS). Also called: BERLIN BREAKAGE SYNDROME; Immunodeficiency, microcephaly with normal intelligence; SEEMANOVA SYNDROME II; Ataxia telangiectasia variant V1; IMMUNODEFICIENCY, MICROCEPHALY, AND CHROMOSOMAL INSTABILITY; Nijmegen breakage syndrome. Identifiers: Orphanet 647, MedGen C0398791, MONDO:0009623, OMIM 251260.

Submissions (2):

Labcorp Genetics (formerly Invitae), Labcorp
Classification: Pathogenic for Microcephaly, normal intelligence and immunodeficiency. Last evaluated: 2023-10-28. Review status: criteria provided, single submitter. Criteria: Invitae Variant Classification Sherloc (09022015). Collection method: clinical testing. Allele origin: germline.
Comment: This sequence change creates a premature translational stop signal (p.Glu510*) in the NBN gene. It is expected to result in an absent or disrupted protein product. Loss-of-function variants in NBN are known to be pathogenic (PMID: 9590180, 16415040). This variant is not present in population databases (gnomAD no frequency). This variant has not been reported in the literature in individuals affected with NBN-related conditions. ClinVar contains an entry for this variant (Variation ID: 2452396). For these reasons, this variant has been classified as Pathogenic.

Ambry Genetics
Classification: Pathogenic for Hereditary cancer-predisposing syndrome. Last evaluated: 2022-12-30. Review status: criteria provided, single submitter. Criteria: Ambry Variant Classification Scheme 2023. Collection method: clinical testing. Allele origin: germline.
Comment: The p.E510* pathogenic mutation (also known as c.1528G>T), located in coding exon 11 of the NBN gene, results from a G to T substitution at nucleotide position 1528. This changes the amino acid from a glutamic acid to a stop codon within coding exon 11. This variant is considered to be rare based on population cohorts in the Genome Aggregation Database (gnomAD). This alteration is expected to result in loss of function by premature protein truncation or nonsense-mediated mRNA decay. As such, this alteration is interpreted as a disease-causing mutation.

Literature cited by the submitters: PubMed 9590180 (cited by Labcorp Genetics (formerly Invitae), Labcorp); PubMed 16415040 (cited by Labcorp Genetics (formerly Invitae), Labcorp).

NM_002485.5(NBN):c.1528G>T (p.Glu510Ter)

Gene: NBN (nibrin; minus strand). Cytogenetic location: 8q21.3.
Variant type: single nucleotide variant.
Coding change: c.1528G>T on transcript NM_002485.5 (MANE Select); coding-DNA position 1528, G replaced by T.
Protein change: p.Glu510Ter; replaces glutamic acid 510 with a stop codon.
Molecular consequence: nonsense.
Genome position (GRCh38, 1-based): chr8:89,953,561, C>A on the plus strand (G>T on the coding strand, the complement: NBN is on the minus strand). VCF-style: chr8-89953561-C-A. GRCh37 (hg19) VCF-style: chr8-90965789-C-A.
Other names: c.1282G>T, p.Glu428Ter (NM_001024688.3); short protein forms E428*, E510*.
Identifiers: ClinVar variation 2452396 (VCV002452396.5), dbSNP rs2488232901, ClinGen allele CA371655663.